The following is an entry in ClinVar:

ClinVar aggregate classification (germline): Uncertain significance. Review status: criteria provided, multiple submitters, no conflicts (2 of 4 stars). 4 submissions from 4 submitters: Uncertain significance (3). 1 of the submissions does not count toward it. Last evaluated 2024-08-30.

Conditions:
Retinitis pigmentosa (RP). Identifiers: Orphanet 791, MedGen C0035334, MeSH D012174, MONDO:0019200, OMIM 268000. Inheritance: Autosomal dominant, autosomal recessive and X linked inheritance.
Retinitis pigmentosa 54 (RP54). Identifiers: Orphanet 791, MedGen C3150691, MONDO:0013263, OMIM 613428.

Allele frequency attached by ClinVar (database versions not stated): TOPMed 0.00002; gnomAD exomes 0.00004; ExAC 0.00005.
gnomAD v4.1: 27 of 1,549,624 alleles (0.0017%); highest among the groups gnomAD compares: East Asian, 0.0049%; no homozygotes.

Submissions (4):

Blueprint Genetics
Classification: Uncertain significance. Last evaluated: 2024-08-30. Review status: criteria provided, single submitter. Criteria: ACMG Guidelines, 2015. Collection method: clinical testing. Allele origin: germline.

Department of Pathology and Laboratory Medicine, Sinai Health System
Classification: Uncertain significance for Retinitis pigmentosa 54. Last evaluated: 2022-06-13. Review status: criteria provided, single submitter. Criteria: ACMG Guidelines, 2015. Collection method: research. Allele origin: germline.

Labcorp Genetics (formerly Invitae), Labcorp
Classification: Uncertain significance. Last evaluated: 2020-06-26. Review status: criteria provided, single submitter. Criteria: Invitae Variant Classification Sherloc (09022015). Collection method: clinical testing. Allele origin: germline.
Comment: This variant has been observed in individual(s) with retinitis pigmentosa (PMID: 30718709). ClinVar contains an entry for this variant (Variation ID: 636214). In summary, the available evidence is currently insufficient to determine the role of this variant in disease. Therefore, it has been classified as a Variant of Uncertain Significance. Algorithms developed to predict the effect of missense changes on protein structure and function output the following: SIFT: "Deleterious"; PolyPhen-2: "Possibly Damaging"; Align-GVGD: "Class C0". The lysine amino acid residue is found in multiple mammalian species, suggesting that this missense change does not adversely affect protein function. These predictions have not been confirmed by published functional studies and their clinical significance is uncertain. This variant is present in population databases (rs201781577, ExAC 0.01%). This sequence change replaces glutamic acid with lysine at codon 1226 of the PCARE protein (p.Glu1226Lys). The glutamic acid residue is highly conserved and there is a small physicochemical difference between glutamic acid and lysine.

Department of Clinical Genetics, Copenhagen University Hospital, Rigshospitalet
Classification: Uncertain significance for Retinitis pigmentosa. Last evaluated: 2018-04-01. Review status: no assertion criteria provided. Collection method: research. Allele origin: unknown. Affected: yes. Study: VeluxRD. Not counted in ClinVar's aggregate classification.

Literature cited by the submitters: PubMed 30718709 (cited by Labcorp Genetics (formerly Invitae), Labcorp and Department of Clinical Genetics, Copenhagen University Hospital, Rigshospitalet).

NM_001029883.3(PCARE):c.3676G>A (p.Glu1226Lys)

Gene: PCARE (photoreceptor cilium actin regulator; minus strand). Cytogenetic location: 2p23.2.
Variant type: single nucleotide variant.
Coding change: c.3676G>A on transcript NM_001029883.3 (MANE Select); coding-DNA position 3676, G replaced by A.
Protein change: p.Glu1226Lys; replaces glutamic acid 1226 with lysine.
Molecular consequence: missense variant.
Genome position (GRCh38, 1-based): chr2:29,065,060, C>T on the plus strand (G>A on the coding strand, the complement: PCARE is on the minus strand). VCF-style: chr2-29065060-C-T. GRCh37 (hg19) VCF-style: chr2-29287926-C-T.
Other names: short protein forms E1226K.
Identifiers: ClinVar variation 636214 (VCV000636214.10), dbSNP rs201781577, ClinGen allele CA1591849.